The following is an entry in ClinVar:

ClinVar aggregate classification (germline): Uncertain significance (1 of 4 stars; one submission).

Conditions:
Hereditary cancer-predisposing syndrome. Also called: Tumor predisposition; Neoplastic Syndromes, Hereditary; Hereditary neoplastic syndrome; Hereditary Cancer Syndrome. Identifiers: Orphanet 140162, MedGen C0027672, MeSH D009386, MONDO:0015356.

Submission:

Ambry Genetics
Classification: Uncertain significance for Hereditary cancer-predisposing syndrome. Last evaluated: 2024-12-02. Review status: criteria provided, single submitter. Criteria: Ambry Variant Classification Scheme 2023. Collection method: clinical testing. Allele origin: germline.
Comment: The p.T996S variant (also known as c.2986A>T), located in coding exon 26 of the TSC2 gene, results from an A to T substitution at nucleotide position 2986. The threonine at codon 996 is replaced by serine, an amino acid with similar properties. This amino acid position is conserved. In addition, the in silico prediction for this alteration is inconclusive. Based on the available evidence, the clinical significance of this variant remains unclear.

NM_000548.5(TSC2):c.2986A>T (p.Thr996Ser)

Gene: TSC2 (TSC complex subunit 2; plus strand). Cytogenetic location: 16p13.3.
Variant type: single nucleotide variant.
Coding change: c.2986A>T on transcript NM_000548.5 (MANE Select); coding-DNA position 2986, A replaced by T.
Protein change: p.Thr996Ser; replaces threonine 996 with serine.
Molecular consequence: missense variant. On other transcripts: non-coding transcript variant (5).
Genome position (GRCh38, 1-based): chr16:2,079,051, A>T. VCF-style: chr16-2079051-A-T. GRCh37 (hg19) VCF-style: chr16-2129052-A-T.
Other names: c.1510A>T, p.Thr504Ser (NM_001406691.1, NM_001406695.1, NM_001406696.1 and 1 more transcripts); c.1513A>T, p.Thr505Ser (NM_001406692.1, NM_001406693.1, NM_001406694.1 and 1 more transcripts); c.1252A>T, p.Thr418Ser (NM_001406698.1); c.2857A>T, p.Thr953Ser (NM_021055.3, NM_001363528.2, NM_001370405.1); c.2854A>T, p.Thr952Ser (NM_001077183.3, NM_001370404.1, NM_001406665.1); c.2986A>T, p.Thr996Ser (NM_001114382.3); c.2746A>T, p.Thr916Ser (NM_001318827.2); c.2710A>T, p.Thr904Ser (NM_001318829.2); and 18 more; short protein forms T504S, T505S, T752S, T753S, T796S, T933S, T959S, T995S.
Identifiers: ClinVar variation 3462689 (VCV003462689.1).